The following is an entry in ClinVar:

NM_004722.4(AP4M1):c.1284C>A (p.Phe428Leu)

Gene: AP4M1 (adaptor related protein complex 4 subunit mu 1; plus strand). Cytogenetic location: 7q22.1.
Variant type: single nucleotide variant.
Coding change: c.1284C>A on transcript NM_004722.4 (MANE Select); coding-DNA position 1284, C replaced by A.
Protein change: p.Phe428Leu; replaces phenylalanine 428 with leucine.
Molecular consequence: missense variant.
Genome position (GRCh38, 1-based): chr7:100,106,804, C>A. VCF-style: chr7-100106804-C-A. GRCh37 (hg19) VCF-style: chr7-99704427-C-A.
Other names: c.1305C>A, p.Phe435Leu (NM_001363671.2); short protein forms F435L, F428L.
Identifiers: ClinVar variation 647801 (VCV000647801.11), dbSNP rs1443950530, ClinGen allele CA368477315.

ClinVar aggregate classification (germline): Uncertain significance (1 of 4 stars; one submission).

Conditions:
Hereditary spastic paraplegia 50 (SPG50). Also called: Spastic paraplegia 50, autosomal recessive. Identifiers: Orphanet 280763, MedGen C2752008, MONDO:0013048, OMIM 612936.

Submission:

Labcorp Genetics (formerly Invitae), Labcorp
Classification: Uncertain significance for Hereditary spastic paraplegia 50. Last evaluated: 2019-05-08. Review status: criteria provided, single submitter. Criteria: Invitae Variant Classification Sherloc (09022015). Collection method: clinical testing. Allele origin: germline.
Comment: Algorithms developed to predict the effect of missense changes on protein structure and function output the following: SIFT: "Deleterious"; PolyPhen-2: "Benign"; Align-GVGD: "Class C0". The leucine amino acid residue is found in multiple mammalian species, suggesting that this missense change does not adversely affect protein function. These predictions have not been confirmed by published functional studies and their clinical significance is uncertain. This sequence change replaces phenylalanine with leucine at codon 428 of the AP4M1 protein (p.Phe428Leu). The phenylalanine residue is moderately conserved and there is a small physicochemical difference between phenylalanine and leucine. This variant is not present in population databases (ExAC no frequency). This variant has not been reported in the literature in individuals with AP4M1-related conditions. In summary, the available evidence is currently insufficient to determine the role of this variant in disease. Therefore, it has been classified as a Variant of Uncertain Significance.